The following is an entry in ClinVar:

NM_181332.3(NLGN4X):c.122G>A (p.Ser41Asn)

Gene: NLGN4X (neuroligin 4 X-linked; minus strand). Cytogenetic location: Xp22.31.
Variant type: single nucleotide variant.
Coding change: c.122G>A on transcript NM_181332.3 (MANE Select); coding-DNA position 122, G replaced by A.
Protein change: p.Ser41Asn; replaces serine 41 with asparagine.
Molecular consequence: missense variant.
Genome position (GRCh38, 1-based): chrX:6,151,345, C>T on the plus strand (G>A on the coding strand, the complement: NLGN4X is on the minus strand). VCF-style: chrX-6151345-C-T. GRCh37 (hg19) VCF-style: chrX-6069386-C-T.
Other names: c.122G>A, p.Ser41Asn (NM_001282145.2, NM_001282146.2, NM_020742.4); short protein forms S41N.
Identifiers: ClinVar variation 2628583 (VCV002628583.1), dbSNP rs2519423008, ClinGen allele CA412015422.

ClinVar aggregate classification (germline): Uncertain significance (1 of 4 stars; one submission).

Conditions:
NLGN4X-related disorder. Also called: NLGN4X-related condition.

Submission:

PreventionGenetics, part of Exact Sciences
Classification: Uncertain significance for NLGN4X-related condition. Last evaluated: 2022-09-30. Review status: criteria provided, single submitter. Criteria: ACMG Guidelines, 2015. Collection method: clinical testing. Allele origin: germline.
Comment: The NLGN4X c.122G>A variant is predicted to result in the amino acid substitution p.Ser41Asn. To our knowledge, this variant has not been reported in the literature or in a large population database, indicating this variant is rare. At this time, the clinical significance of this variant is uncertain due to the absence of conclusive functional and genetic evidence.